The following is an entry in ClinVar:

NM_001081550.2(THOC2):c.4514G>A (p.Gly1505Glu)

Gene: THOC2 (THO complex subunit 2; minus strand). Cytogenetic location: Xq25.
Variant type: single nucleotide variant.
Coding change: c.4514G>A on transcript NM_001081550.2 (MANE Select); coding-DNA position 4514, G replaced by A.
Protein change: p.Gly1505Glu; replaces glycine 1505 with glutamic acid.
Molecular consequence: missense variant.
Genome position (GRCh38, 1-based): chrX:123,613,644, C>T on the plus strand (G>A on the coding strand, the complement: THOC2 is on the minus strand). VCF-style: chrX-123613644-C-T. GRCh37 (hg19) VCF-style: chrX-122747495-C-T.
Other names: c.4595G>A, p.Gly1532Glu (NM_001441235.1); c.4514G>A, p.Gly1505Glu (NM_001441236.1); short protein forms G1505E, G1532E.
Identifiers: ClinVar variation 4281781 (VCV004281781.1).
Genomic context (GRCh38, chrX:123,613,644, plus strand): 5'-GCCTTTTCCAATTCACTTCGATGATATCTTCAAAGATATGAATAAGTCTACCTACTTGTT[C>T]CATTCTCCTCTTTACGTCTCTTGGTTAAGTCCGGTGGCACTTCACGGTCGTTGTTTGAGT-3'
Protein context (NP_001075019.1, residues 1495-1515): DLTKRRKEEN[Gly1505Glu]TMGVSKHKSE

ClinVar aggregate classification (germline): Uncertain significance (1 of 4 stars; one submission).

Submission:

GeneDx
Classification: Uncertain significance. Last evaluated: 2025-04-10. Review status: criteria provided, single submitter. Criteria: GeneDx Variant Classification Process June 2021. Collection method: clinical testing. Allele origin: germline. Affected: yes.
Comment: Not observed at significant frequency in large population cohorts (gnomAD); In silico analysis supports that this missense variant has a deleterious effect on protein structure/function; Has not been previously published as pathogenic or benign to our knowledge